The following is an entry in ClinVar:

ClinVar aggregate classification (germline): Uncertain significance (1 of 4 stars; one submission).

Conditions:
Holoprosencephaly 5 (HPE5). Identifiers: Orphanet 2162, MedGen C1864827, MONDO:0012322, OMIM 609637.

gnomAD v4.1: 1 of 1,613,324 alleles (0.000062%); no homozygotes.

Submission:

Labcorp Genetics (formerly Invitae), Labcorp
Classification: Uncertain significance for Holoprosencephaly 5. Last evaluated: 2023-10-06. Review status: criteria provided, single submitter. Criteria: Invitae Variant Classification Sherloc (09022015). Collection method: clinical testing. Allele origin: germline.
Comment: This sequence change replaces lysine, which is basic and polar, with arginine, which is basic and polar, at codon 275 of the ZIC2 protein (p.Lys275Arg). This variant is not present in population databases (gnomAD no frequency). This variant has not been reported in the literature in individuals affected with ZIC2-related conditions. Advanced modeling of protein sequence and biophysical properties (such as structural, functional, and spatial information, amino acid conservation, physicochemical variation, residue mobility, and thermodynamic stability) performed at Invitae indicates that this missense variant is not expected to disrupt ZIC2 protein function. In summary, the available evidence is currently insufficient to determine the role of this variant in disease. Therefore, it has been classified as a Variant of Uncertain Significance.

NM_007129.5(ZIC2):c.824A>G (p.Lys275Arg)

Gene: ZIC2 (Zic family zinc finger 2; plus strand). Cytogenetic location: 13q32.3.
Variant type: single nucleotide variant.
Coding change: c.824A>G on transcript NM_007129.5 (MANE Select); coding-DNA position 824, A replaced by G.
Protein change: p.Lys275Arg; replaces lysine 275 with arginine.
Molecular consequence: missense variant.
Genome position (GRCh38, 1-based): chr13:99,982,888, A>G. VCF-style: chr13-99982888-A-G. GRCh37 (hg19) VCF-style: chr13-100635142-A-G.
Other names: short protein forms K275R.
Identifiers: ClinVar variation 2766527 (VCV002766527.3), dbSNP rs2501544842, ClinGen allele CA388638162.